The following is an entry in ClinVar:

NM_002528.7(NTHL1):c.178T>C (p.Tyr60His)

Gene: NTHL1 (nth like DNA glycosylase 1; minus strand). Cytogenetic location: 16p13.3.
Variant type: single nucleotide variant.
Coding change: c.178T>C on transcript NM_002528.7 (MANE Select); coding-DNA position 178, T replaced by C.
Protein change: p.Tyr60His; replaces tyrosine 60 with histidine.
Molecular consequence: missense variant. On other transcripts: 5 prime UTR variant (1).
Genome position (GRCh38, 1-based): chr16:2,046,304, A>G on the plus strand (T>C on the coding strand, the complement: NTHL1 is on the minus strand). VCF-style: chr16-2046304-A-G. GRCh37 (hg19) VCF-style: chr16-2096305-A-G.
Other names: c.178T>C, p.Tyr60His (NM_001318193.2); c.-1T>C (NM_001318194.2); short protein forms Y60H.
Identifiers: ClinVar variation 934167 (VCV000934167.14), dbSNP rs2084381789, ClinGen allele CA394297780.

ClinVar aggregate classification (germline): Uncertain significance. Review status: criteria provided, multiple submitters, no conflicts (2 of 4 stars). 3 submissions from 3 submitters: Uncertain significance (3). Last evaluated 2025-11-08.

Conditions:
Hereditary cancer-predisposing syndrome. Also called: Neoplastic Syndromes, Hereditary; Tumor predisposition; Hereditary Cancer Syndrome; Hereditary neoplastic syndrome. Identifiers: Orphanet 140162, MedGen C0027672, MeSH D009386, MONDO:0015356.
Familial adenomatous polyposis 3. Also called: NTHL1-associated polyposis; NTHL1 Tumor Syndrome; NTHL1-Related Adenomatous Polyposis and Colorectal Cancer; NTHL1-related attenuated familial adenomatous polyposis. Identifiers: Orphanet 220460, Orphanet 454840, MedGen C4225157, MONDO:0014630, OMIM 616415.

Allele frequency attached by ClinVar (database versions not stated): gnomAD exomes 0.00001.
gnomAD v4.1: 14 of 1,613,030 alleles (0.00087%); highest among the groups gnomAD compares: South Asian, 0.0011%; no homozygotes.

Submissions (3):

Ambry Genetics
Classification: Uncertain significance for Hereditary cancer-predisposing syndrome. Last evaluated: 2025-11-08. Review status: criteria provided, single submitter. Criteria: Ambry Variant Classification Scheme 2023. Collection method: clinical testing. Allele origin: germline.
Comment: The p.Y68H variant (also known as c.202T>C), located in coding exon 2 of the NTHL1 gene, results from a T to C substitution at nucleotide position 202. The tyrosine at codon 68 is replaced by histidine, an amino acid with similar properties. This amino acid position is conserved. In addition, this alteration is predicted to be tolerated by in silico analysis. Since supporting evidence is limited at this time, the clinical significance of this alteration remains unclear.

Labcorp Genetics (formerly Invitae), Labcorp
Classification: Uncertain significance. Last evaluated: 2025-09-08. Review status: criteria provided, single submitter. Criteria: Invitae Variant Classification Sherloc (09022015). Collection method: clinical testing. Allele origin: germline.
Comment: This sequence change replaces tyrosine, which is neutral and polar, with histidine, which is basic and polar, at codon 68 of the NTHL1 protein (p.Tyr68His). This variant is not present in population databases (gnomAD no frequency). This variant has not been reported in the literature in individuals affected with NTHL1-related conditions. ClinVar contains an entry for this variant (Variation ID: 934167). An algorithm developed to predict the effect of missense changes on protein structure and function (PolyPhen-2) suggests that this variant is likely to be disruptive. In summary, the available evidence is currently insufficient to determine the role of this variant in disease. Therefore, it has been classified as a Variant of Uncertain Significance.

ARUP Laboratories, Molecular Genetics and Genomics, ARUP Laboratories
Classification: Uncertain significance for Familial adenomatous polyposis 3. Last evaluated: 2025-04-29. Review status: criteria provided, single submitter. Criteria: ARUP Molecular Germline Variant Investigation Process 2024. Collection method: clinical testing. Allele origin: germline.
Comment: The NTHL1 c.178T>C; p.Tyr60His variant (rs2084381789), to our knowledge, is not reported in the medical literature but is reported in ClinVar (Variation ID: 934167). This variant is absent from the Genome Aggregation Database (v2.1.1), indicating it is not a common polymorphism. Computational analyses predict that this variant is neutral (REVEL: 0.117). Due to limited information, the clinical significance of this variant is uncertain at this time.